The following is an entry in ClinVar:

Conditions:
Breast-ovarian cancer, familial, susceptibility to, 1 (BROVCA1). Also called: BRCA1 Hereditary Breast and Ovarian Cancer; OVARIAN CANCER, SUSCEPTIBILITY TO. Identifiers: Orphanet 145, MedGen C2676676, MONDO:0011450, OMIM 604370. Disease mechanism: loss of function.
Squamous cell carcinoma of the head and neck (HNSCC). Also called: Head and neck squamous cell carcinoma; Squamous cell carcinoma, head and neck, somatic. Identifiers: Orphanet 67037, MedGen C1168401, MeSH D000077195, MONDO:0010150, OMIM 275355, HP:0020357.

Submissions (2):

Brotman Baty Institute, University of Washington
No classification provided (evidence only). Condition: Breast-ovarian cancer, familial 1. Review status: no classification provided. Collection method: in vitro. Allele origin: not applicable. Functional consequence: functionally_abnormal.
ClinVar note: "not provided" was previously submitted as the classification for the variant. However, the classification appeared to be based only on an observation of functional data so it was converted to no classification on 2025-07-30.

Dr. Peter K. Rogan Lab, Western University
No classification provided (evidence only). Condition: Squamous cell carcinoma of the head and neck. Review status: no classification provided. Collection method: in vitro. Allele origin: not applicable. Functional consequence: retained intron. Not counted in ClinVar's aggregate classification.

NM_007294.4(BRCA1):c.301+2T>G

Gene: BRCA1 (BRCA1 DNA repair associated; minus strand). Cytogenetic location: 17q21.31.
Variant type: single nucleotide variant.
Coding change: c.301+2T>G on transcript NM_007294.4 (MANE Select); the canonical splice donor site of the intron after coding-DNA position 301, T replaced by G.
Molecular consequence: splice donor variant. On other transcripts: intron variant (5).
Genome position (GRCh38, 1-based): chr17:43,104,866, A>C on the plus strand (T>G on the coding strand, the complement: BRCA1 is on the minus strand). VCF-style: chr17-43104866-A-C. GRCh37 (hg19) VCF-style: chr17-41256883-A-C.
Other names: NC_000017.10:g.41256883A>C; c.160+2T>G (NM_001408458.1, NM_001407931.1, NM_001407747.1 and 99 more transcripts); c.-218-10006T>G (NM_001407967.1, NM_001407966.1); c.-81+2T>G (NM_001407959.1, NM_001407962.1, NM_001408512.1 and 4 more transcripts); c.91+2T>G (NM_001407885.1, NM_001407886.1, NM_001407898.1 and 58 more transcripts); c.301+2T>G (NM_001407686.1, NM_001408397.1, NM_001407632.1 and 164 more transcripts); c.169+2T>G (NM_001408451.1); c.223+2T>G (NM_001408475.1, NM_001407875.1, NM_001407659.1 and 21 more transcripts); and 1 more.
Identifiers: ClinVar variation 865380 (VCV000865380.4), dbSNP rs1567811002, ClinGen allele CA10601547.